The following is an entry in ClinVar:

NM_007294.4(BRCA1):c.5250G>T (p.Lys1750Asn)

Gene: BRCA1 (BRCA1 DNA repair associated; minus strand). Cytogenetic location: 17q21.31.
Variant type: single nucleotide variant.
Coding change: c.5250G>T on transcript NM_007294.4 (MANE Select); coding-DNA position 5250, G replaced by T.
Protein change: p.Lys1750Asn; replaces lysine 1750 with asparagine.
Molecular consequence: missense variant. On other transcripts: non-coding transcript variant (1).
Genome position (GRCh38, 1-based): chr17:43,057,079, C>A on the plus strand (G>T on the coding strand, the complement: BRCA1 is on the minus strand). VCF-style: chr17-43057079-C-A. GRCh37 (hg19) VCF-style: chr17-41209096-C-A.
Other names: c.5310G>T, p.Lys1770Asn (NM_001407591.1, NM_001407590.1); c.5250G>T, p.Lys1750Asn (NM_001407593.1, NM_001407594.1, NM_001407596.1 and 7 more transcripts); c.5247G>T, p.Lys1749Asn (NM_001407610.1, NM_001407611.1, NM_001407612.1 and 17 more transcripts); c.5244G>T, p.Lys1748Asn (NM_001407629.1, NM_001407630.1, NM_001407631.1 and 14 more transcripts); c.5190G>T, p.Lys1730Asn (NM_001407649.1); c.5172G>T, p.Lys1724Asn (NM_001407652.1, NM_001407653.1, NM_001407654.1 and 1 more transcripts); c.5169G>T, p.Lys1723Asn (NM_001407656.1, NM_001407657.1, NM_001407658.1); c.5166G>T, p.Lys1722Asn (NM_001407659.1, NM_001407660.1, NM_001407661.1 and 2 more transcripts); and 72 more; short protein forms K1703N, K1750N, K1771N, K646N, K1453N, K1623N, K1639N, K1661N.
Identifiers: ClinVar variation 867280 (VCV000867280.3), dbSNP rs1597810591, ClinGen allele CA10591046.

Conditions:
Breast-ovarian cancer, familial, susceptibility to, 1 (BROVCA1). Also called: BRCA1 Hereditary Breast and Ovarian Cancer; OVARIAN CANCER, SUSCEPTIBILITY TO. Identifiers: Orphanet 145, MedGen C2676676, MONDO:0011450, OMIM 604370. Disease mechanism: loss of function.

Submission:

Brotman Baty Institute, University of Washington
No classification provided (evidence only). Condition: Breast-ovarian cancer, familial 1. Review status: no classification provided. Collection method: in vitro. Allele origin: not applicable. Functional consequence: functionally_normal.
ClinVar note: "not provided" was previously submitted as the classification for the variant. However, the classification appeared to be based only on an observation of functional data so it was converted to no classification on 2025-07-30.